The following is an entry in ClinVar:

ClinVar aggregate classification (germline): Uncertain significance (1 of 4 stars; one submission).

Conditions:
Hereditary cancer-predisposing syndrome. Also called: Neoplastic Syndromes, Hereditary; Tumor predisposition; Hereditary neoplastic syndrome; Hereditary Cancer Syndrome. Identifiers: Orphanet 140162, MedGen C0027672, MeSH D009386, MONDO:0015356.

Submission:

Ambry Genetics
Classification: Uncertain significance for Hereditary cancer-predisposing syndrome. Last evaluated: 2023-03-05. Review status: criteria provided, single submitter. Criteria: Ambry Variant Classification Scheme 2023. Collection method: clinical testing. Allele origin: germline.
Comment: The p.P286H variant (also known as c.857C>A), located in coding exon 5 of the MSH3 gene, results from a C to A substitution at nucleotide position 857. The proline at codon 286 is replaced by histidine, an amino acid with similar properties. This amino acid position is conserved. In addition, this alteration is predicted to be deleterious by in silico analysis. Since supporting evidence is limited at this time, the clinical significance of this alteration remains unclear.

NM_002439.5(MSH3):c.857C>A (p.Pro286His)

Gene: MSH3 (mutS homolog 3; plus strand). Cytogenetic location: 5q14.1.
Variant type: single nucleotide variant.
Coding change: c.857C>A on transcript NM_002439.5 (MANE Select); coding-DNA position 857, C replaced by A.
Protein change: p.Pro286His; replaces proline 286 with histidine.
Molecular consequence: missense variant.
Genome position (GRCh38, 1-based): chr5:80,672,308, C>A. VCF-style: chr5-80672308-C-A. GRCh37 (hg19) VCF-style: chr5-79968127-C-A.
Other names: short protein forms P286H.
Identifiers: ClinVar variation 2451089 (VCV002451089.2), dbSNP rs1749741410, ClinGen allele CA360267194.